The following is an entry in ClinVar:

ClinVar aggregate classification (germline): Pathogenic/Likely pathogenic. Review status: criteria provided, multiple submitters, no conflicts (2 of 4 stars). 3 submissions from 3 submitters: Pathogenic (2); Likely pathogenic (1). Last evaluated 2023-11-03.

Conditions:
ADGRV1-related disorder. Also called: ADGRV1-related disorders; ADGRV1-related condition.
Usher syndrome type 2C. Also called: Usher syndrome, type 2B; USHER SYNDROME, TYPE IIC. Identifiers: Orphanet 231178, Orphanet 886, MedGen C2931213, MONDO:0011558, OMIM 605472.

Allele frequency attached by ClinVar (database versions not stated): gnomAD 0.00001.
gnomAD v4.1: 3 of 1,609,044 alleles (0.00019%); highest among the groups gnomAD compares: Non-Finnish European, 0.00025%; no homozygotes.

Submissions (3):

Labcorp Genetics (formerly Invitae), Labcorp
Classification: Pathogenic. Last evaluated: 2023-11-03. Review status: criteria provided, single submitter. Criteria: Invitae Variant Classification Sherloc (09022015). Collection method: clinical testing. Allele origin: germline.
Comment: This sequence change creates a premature translational stop signal (p.Arg920*) in the ADGRV1 gene. It is expected to result in an absent or disrupted protein product. Loss-of-function variants in ADGRV1 are known to be pathogenic (PMID: 19357117, 22135276, 22147658, 26226137, 30718709, 31047384, 32467589). This variant is not present in population databases (gnomAD no frequency). This variant has not been reported in the literature in individuals affected with ADGRV1-related conditions. ClinVar contains an entry for this variant (Variation ID: 1454895). Algorithms developed to predict the effect of sequence changes on RNA splicing suggest that this variant may disrupt the consensus splice site. For these reasons, this variant has been classified as Pathogenic.

Blueprint Genetics
Classification: Likely pathogenic for ADGRV1-related disorders. Last evaluated: 2019-11-27. Review status: criteria provided, single submitter. Criteria: ACMG Guidelines, 2015. Collection method: clinical testing. Allele origin: germline. Affected: yes. Observed: 2 variant alleles.

Juno Genomics, Hangzhou Juno Genomics, Inc
Classification: Pathogenic for Usher syndrome type 2C. Review status: criteria provided, single submitter. Criteria: ACMG Guidelines, 2015. Collection method: clinical testing. Allele origin: germline.
Comment: Absent from controls (or at extremely low frequency if recessive) in Genome Aggregation Database.;Null variant in a gene where loss of function (LOF) is a known mechanism of disease.;For recessive disorders, detected in trans with a pathogenic variant.;Patient's phenotype or family history is highly specific for a disease with a single genetic etiology.

Literature cited by the submitters: PubMed 19357117 (cited by Labcorp Genetics (formerly Invitae), Labcorp); PubMed 22135276 (cited by Labcorp Genetics (formerly Invitae), Labcorp); PubMed 22147658 (cited by Labcorp Genetics (formerly Invitae), Labcorp); PubMed 26226137 (cited by Labcorp Genetics (formerly Invitae), Labcorp); PubMed 30718709 (cited by Labcorp Genetics (formerly Invitae), Labcorp); PubMed 31047384 (cited by Labcorp Genetics (formerly Invitae), Labcorp); PubMed 32467589 (cited by Labcorp Genetics (formerly Invitae), Labcorp).

NM_032119.4(ADGRV1):c.2758C>T (p.Arg920Ter)

Gene: ADGRV1 (adhesion G protein-coupled receptor V1; plus strand). Cytogenetic location: 5q14.3.
Variant type: single nucleotide variant.
Coding change: c.2758C>T on transcript NM_032119.4 (MANE Select); coding-DNA position 2758, C replaced by T.
Protein change: p.Arg920Ter; replaces arginine 920 with a stop codon.
Molecular consequence: nonsense. On other transcripts: non-coding transcript variant (1).
Genome position (GRCh38, 1-based): chr5:90,644,729, C>T. VCF-style: chr5-90644729-C-T. GRCh37 (hg19) VCF-style: chr5-89940546-C-T.
Other names: short protein forms R920*.
Identifiers: ClinVar variation 1454895 (VCV001454895.9), dbSNP rs1016685696, ClinGen allele CA121835058.